The following is an entry in ClinVar:

NM_000094.4(COL7A1):c.6270del (p.Gly2091fs)

Gene: COL7A1 (collagen type VII alpha 1 chain; minus strand). Cytogenetic location: 3p21.31.
Variant type: Deletion.
Coding change: c.6270del on transcript NM_000094.4 (MANE Select); coding-DNA position 6270, one base deleted (T; older notation c.6270delT).
Protein change: p.Gly2091fs; shifts the reading frame from glycine 2091.
Molecular consequence: frameshift variant.
Genome position (GRCh38, 1-based): chr3:48,575,073, A deleted on the plus strand (T on the coding strand, the reverse complement: COL7A1 is on the minus strand). VCF-style (leftmost placement, unchanged base first): chr3-48575072-CA-C. GRCh37 (hg19) VCF-style: chr3-48612505-CA-C.
Other names: short protein forms G2091fs.
Identifiers: ClinVar variation 1994751 (VCV001994751.4), dbSNP rs2530961555, ClinGen allele CA2580069971.

ClinVar aggregate classification (germline): Pathogenic (1 of 4 stars; one submission).

Submission:

Labcorp Genetics (formerly Invitae), Labcorp
Classification: Pathogenic. Last evaluated: 2022-05-15. Review status: criteria provided, single submitter. Criteria: Invitae Variant Classification Sherloc (09022015). Collection method: clinical testing. Allele origin: germline.
Comment: This sequence change creates a premature translational stop signal (p.Gly2091Alafs*115) in the COL7A1 gene. It is expected to result in an absent or disrupted protein product. Loss-of-function variants in COL7A1 are known to be pathogenic (PMID: 16971478). This variant is not present in population databases (gnomAD no frequency). This variant has not been reported in the literature in individuals affected with COL7A1-related conditions. For these reasons, this variant has been classified as Pathogenic.

Literature cited by the submitters: PubMed 16971478.